The following is an entry in ClinVar:

ClinVar aggregate classification (germline): Uncertain significance (1 of 4 stars; one submission).

Conditions:
Ataxia-telangiectasia syndrome (AT). Also called: Ataxia-telangiectasia, complementation group D; AT, COMPLEMENTATION GROUP C; Cerebello-oculocutaneous telangiectasia; Immunodeficiency with ataxia telangiectasia; Ataxia-telangiectasia, complementation group E; LOUIS-BAR SYNDROME. Identifiers: Orphanet 100, MedGen C0004135, MONDO:0008840, OMIM 208900.

Submission:

Labcorp Genetics (formerly Invitae), Labcorp
Classification: Uncertain significance for Ataxia-telangiectasia syndrome. Last evaluated: 2023-01-02. Review status: criteria provided, single submitter. Criteria: Invitae Variant Classification Sherloc (09022015). Collection method: clinical testing. Allele origin: germline.
Comment: This variant has not been reported in the literature in individuals affected with ATM-related conditions. This variant is not present in population databases (gnomAD no frequency). This sequence change replaces leucine, which is neutral and non-polar, with histidine, which is basic and polar, at codon 1851 of the ATM protein (p.Leu1851His). ClinVar contains an entry for this variant (Variation ID: 1464659). Algorithms developed to predict the effect of missense changes on protein structure and function are either unavailable or do not agree on the potential impact of this missense change (SIFT: "Deleterious"; PolyPhen-2: "Possibly Damaging"; Align-GVGD: "Class C0"). In summary, the available evidence is currently insufficient to determine the role of this variant in disease. Therefore, it has been classified as a Variant of Uncertain Significance.

NM_000051.4(ATM):c.5552T>A (p.Leu1851His)

Gene: ATM (ATM serine/threonine kinase; plus strand). Cytogenetic location: 11q22.3.
Variant type: single nucleotide variant.
Coding change: c.5552T>A on transcript NM_000051.4 (MANE Select); coding-DNA position 5552, T replaced by A.
Protein change: p.Leu1851His; replaces leucine 1851 with histidine.
Molecular consequence: missense variant.
Genome position (GRCh38, 1-based): chr11:108,304,730, T>A. VCF-style: chr11-108304730-T-A. GRCh37 (hg19) VCF-style: chr11-108175457-T-A.
Other names: c.5552T>A, p.Leu1851His (NM_001351834.2); short protein forms L1851H.
Identifiers: ClinVar variation 1464659 (VCV001464659.8), dbSNP rs2135943595, ClinGen allele CA382545992.